The following is an entry in ClinVar:

ClinVar aggregate classification (germline): Uncertain significance (1 of 4 stars; one submission).

Allele frequency attached by ClinVar (database versions not stated): gnomAD exomes below 0.00001 and 0.00001.
gnomAD v4.1: 10 of 1,606,062 alleles (0.00062%); highest among the groups gnomAD compares: Middle Eastern, 0.033%; no homozygotes.

Submission:

GeneDx
Classification: Uncertain significance. Last evaluated: 2019-07-11. Review status: criteria provided, single submitter. Criteria: GeneDx Variant Classification Process June 2021. Collection method: clinical testing. Allele origin: germline. Affected: yes.
Comment: Not observed in large population cohorts (Lek et al., 2016); In silico analysis, which includes protein predictors and evolutionary conservation, supports that this variant does not alter protein structure/function; Has not been previously published as pathogenic or benign to our knowledge

NM_138295.5(PKD1L1):c.3907A>G (p.Ser1303Gly)

Gene: PKD1L1 (polycystin 1 like 1, transient receptor potential channel interacting; minus strand). Cytogenetic location: 7p12.3.
Variant type: single nucleotide variant.
Coding change: c.3907A>G on transcript NM_138295.5 (MANE Select); coding-DNA position 3907, A replaced by G.
Protein change: p.Ser1303Gly; replaces serine 1303 with glycine.
Molecular consequence: missense variant.
Genome position (GRCh38, 1-based): chr7:47,866,604, T>C on the plus strand (A>G on the coding strand, the complement: PKD1L1 is on the minus strand). VCF-style: chr7-47866604-T-C. GRCh37 (hg19) VCF-style: chr7-47906202-T-C.
Other names: short protein forms S1303G.
Identifiers: ClinVar variation 1306768 (VCV001306768.2), dbSNP rs1562965009, ClinGen allele CA367473085.
Genomic context (GRCh38, chr7:47,866,604, plus strand): 5'-TGTAGTTCCTGATTTCTGTGTAACTCCCCATCAGCTGGAGGGTAGAAAGGTTTTTCAGGC[T>C]GGAATTATACCTGAAGGAAACACAAGAGTTATCATTACTGTTCCAACACACGGCAAAACT-3'
Protein context (NP_612152.1, residues 1293-1313): DCLGEDLYNS[Ser1303Gly]LKNLSTLQLM